The following is an entry in ClinVar:

NM_003143.3(SSBP1):c.121C>G (p.Gln41Glu)

Gene: SSBP1 (single stranded DNA binding protein 1; plus strand). Cytogenetic location: 7q34.
Variant type: single nucleotide variant.
Coding change: c.121C>G on transcript NM_003143.3 (MANE Select); coding-DNA position 121, C replaced by G.
Protein change: p.Gln41Glu; replaces glutamine 41 with glutamic acid.
Molecular consequence: missense variant. On other transcripts: non-coding transcript variant (1).
Genome position (GRCh38, 1-based): chr7:141,743,596, C>G. VCF-style: chr7-141743596-C-G. GRCh37 (hg19) VCF-style: chr7-141443396-C-G.
Other names: c.121C>G, p.Gln41Glu (NM_001256510.1, NM_001256511.1, NM_001256512.1 and 1 more transcripts); short protein forms Q41E.
Identifiers: ClinVar variation 5037248 (VCV005037248.1).

ClinVar aggregate classification (germline): Uncertain significance (1 of 4 stars; one submission).

Submission:

GeneDx
Classification: Uncertain significance. Last evaluated: 2026-04-15. Review status: criteria provided, single submitter. Criteria: GeneDx Variant Classification Process June 2021. Collection method: clinical testing. Allele origin: germline.
Comment: Not observed at significant frequency in large population cohorts (gnomAD); In silico analysis suggests that this missense variant does not alter protein structure/function; Has not been previously published as pathogenic or benign to our knowledge